The following is an entry in ClinVar:

NM_199420.4(POLQ):c.6574C>G (p.Pro2192Ala)

Gene: POLQ (DNA polymerase theta; minus strand). Cytogenetic location: 3q13.33.
Variant type: single nucleotide variant.
Coding change: c.6574C>G on transcript NM_199420.4 (MANE Select); coding-DNA position 6574, C replaced by G.
Protein change: p.Pro2192Ala; replaces proline 2192 with alanine.
Molecular consequence: missense variant.
Genome position (GRCh38, 1-based): chr3:121,472,134, G>C on the plus strand (C>G on the coding strand, the complement: POLQ is on the minus strand). VCF-style: chr3-121472134-G-C. GRCh37 (hg19) VCF-style: chr3-121190981-G-C.
Other names: short protein forms P2192A.
Identifiers: ClinVar variation 1754258 (VCV001754258.2), dbSNP rs2546773541, ClinGen allele CA354085567.

ClinVar aggregate classification (germline): Uncertain significance (1 of 4 stars; one submission).

Submission:

Ambry Genetics
Classification: Uncertain significance. Last evaluated: 2022-10-14. Review status: criteria provided, single submitter. Criteria: Ambry Variant Classification Scheme 2023. Collection method: clinical testing. Allele origin: germline.
Comment: The p.P2192A variant (also known as c.6574C>G), located in coding exon 22 of the POLQ gene, results from a C to G substitution at nucleotide position 6574. The proline at codon 2192 is replaced by alanine, an amino acid with highly similar properties. This amino acid position is conserved. In addition, this alteration is predicted to be tolerated by in silico analysis. Since supporting evidence is limited at this time, the clinical significance of this alteration remains unclear.